The following is an entry in ClinVar:

NM_001129.5(AEBP1):c.2263C>A (p.Pro755Thr)

Gene: AEBP1 (AE binding protein 1; plus strand). Cytogenetic location: 7p13.
Variant type: single nucleotide variant.
Coding change: c.2263C>A on transcript NM_001129.5 (MANE Select); coding-DNA position 2263, C replaced by A.
Protein change: p.Pro755Thr; replaces proline 755 with threonine.
Molecular consequence: missense variant.
Genome position (GRCh38, 1-based): chr7:44,112,603, C>A. VCF-style: chr7-44112603-C-A. GRCh37 (hg19) VCF-style: chr7-44152202-C-A.
Other names: short protein forms P755T.
Identifiers: ClinVar variation 3367814 (VCV003367814.1).

ClinVar aggregate classification (germline): Uncertain significance (1 of 4 stars; one submission).

gnomAD v4.1: 4 of 1,606,340 alleles (0.00025%); highest among the groups gnomAD compares: East Asian, 0.0022%; no homozygotes.

Submission:

GeneDx
Classification: Uncertain significance. Last evaluated: 2024-01-10. Review status: criteria provided, single submitter. Criteria: GeneDx Variant Classification Process June 2021. Collection method: clinical testing. Allele origin: germline. Affected: yes.
Comment: Not observed at significant frequency in large population cohorts (gnomAD); In silico analysis supports that this missense variant has a deleterious effect on protein structure/function; Has not been previously published as pathogenic or benign to our knowledge